The following is an entry in ClinVar:

NM_001429.4(EP300):c.4617+9A>C

Gene: EP300 (EP300 lysine acetyltransferase; plus strand). Cytogenetic location: 22q13.2.
Variant type: single nucleotide variant.
Coding change: c.4617+9A>C on transcript NM_001429.4 (MANE Select); 9 bases into the intron after coding-DNA position 4617, A replaced by C.
Molecular consequence: intron variant.
Genome position (GRCh38, 1-based): chr22:41,172,672, A>C. VCF-style: chr22-41172672-A-C. GRCh37 (hg19) VCF-style: chr22-41568676-A-C.
Other names: c.4539+9A>C (NM_001362843.2); c.4617+9A>C (NM_001429.3).
Identifiers: ClinVar variation 2712382 (VCV002712382.5), dbSNP rs369538643, ClinGen allele CA10253462.

ClinVar aggregate classification (germline): Likely benign. Review status: criteria provided, single submitter (1 of 4 stars). 2 submissions from 2 submitters: Likely benign (1). 1 of the submissions does not count toward it. Last evaluated 2024-10-30.

Conditions:
EP300-related disorder. Also called: EP300-related condition; EP300-related disorders.
Rubinstein-Taybi syndrome due to EP300 haploinsufficiency. Also called: EP300-Related Rubinstein-Taybi Syndrome; RUBINSTEIN-TAYBI SYNDROME 2. Identifiers: Orphanet 353284, Orphanet 783, MedGen C3150941, MONDO:0013364, OMIM 613684.

Allele frequency attached by ClinVar (database versions not stated): gnomAD exomes 0.00001; ExAC 0.00002; gnomAD 0.00003; TOPMed 0.00006; ESP Exome Variant Server 0.00015.
gnomAD v4.1: 8 of 1,610,942 alleles (0.0005%); highest among the groups gnomAD compares: African/African-American, 0.011%; no homozygotes.

Submissions (2):

Labcorp Genetics (formerly Invitae), Labcorp
Classification: Likely benign for Rubinstein-Taybi syndrome due to EP300 haploinsufficiency. Last evaluated: 2024-10-30. Review status: criteria provided, single submitter. Criteria: Invitae Variant Classification Sherloc (09022015). Collection method: clinical testing. Allele origin: germline.

PreventionGenetics, part of Exact Sciences
Classification: Likely benign for EP300-related condition. Last evaluated: 2023-02-28. Review status: no assertion criteria provided. Collection method: clinical testing. Allele origin: germline. Not counted in ClinVar's aggregate classification.
Comment: This variant is classified as likely benign based on ACMG/AMP sequence variant interpretation guidelines (Richards et al. 2015 PMID: 25741868, with internal and published modifications).